The following is an entry in ClinVar:

NM_002485.5(NBN):c.1034G>T (p.Gly345Val)

Gene: NBN (nibrin; minus strand). Cytogenetic location: 8q21.3.
Variant type: single nucleotide variant.
Coding change: c.1034G>T on transcript NM_002485.5 (MANE Select); coding-DNA position 1034, G replaced by T.
Protein change: p.Gly345Val; replaces glycine 345 with valine.
Molecular consequence: missense variant.
Genome position (GRCh38, 1-based): chr8:89,958,815, C>A on the plus strand (G>T on the coding strand, the complement: NBN is on the minus strand). VCF-style: chr8-89958815-C-A. GRCh37 (hg19) VCF-style: chr8-90971043-C-A.
Other names: p.G345V:GGC>GTC; c.788G>T, p.Gly263Val (NM_001024688.3); short protein forms G345V, G263V.
Identifiers: ClinVar variation 127852 (VCV000127852.31), dbSNP rs587780089, ClinGen allele CA287889.
Genomic context (GRCh38, chr8:89,958,815, plus strand): 5'-GCTACGTATGTTGTAGTGTTCACTGGGGCGCTTGGCATTAGTTTTTCATCAACTGACACG[C>A]CTTGTGAAAGGCTTGGTCCTGGAGTTGTTGTCTTTAATCCTGTAAATCACACAAGTAGAA-3'
Protein context (NP_002476.2, residues 335-355): TTTPGPSLSQ[Gly345Val]VSVDEKLMPS

ClinVar aggregate classification (germline): Uncertain significance. Review status: criteria provided, multiple submitters, no conflicts (2 of 4 stars). 8 submissions from 8 submitters: Uncertain significance (7). 1 of the submissions does not count toward it. Last evaluated 2025-08-15.

Conditions:
Microcephaly, normal intelligence and immunodeficiency (NBS). Also called: IMMUNODEFICIENCY, MICROCEPHALY, AND CHROMOSOMAL INSTABILITY; SEEMANOVA SYNDROME II; Nijmegen breakage syndrome; Microcephaly with normal intelligence immunodeficiency and lymphoreticular malignancies; Nonsyndromal microcephaly autosomal recessive with normal intelligence; Seemanova syndrome 2. Identifiers: Orphanet 647, MedGen C0398791, MONDO:0009623, OMIM 251260.
Acute lymphoid leukemia (ALL). Also called: Acute lymphoblastic leukemia; Acute lymphocytic leukemia; Lymphoblastic leukemia; Leukemia, acute lymphoblastic, somatic. Identifiers: Orphanet 513, MedGen C0023449, MONDO:0004967, OMIM 613065, HP:0006721.
Aplastic anemia. Identifiers: Orphanet 182040, Orphanet 88, MedGen C0002874, MONDO:0015909, OMIM 609135, HP:0001915.
Hereditary cancer-predisposing syndrome. Also called: Tumor predisposition; Hereditary Cancer Syndrome; Neoplastic Syndromes, Hereditary; Hereditary neoplastic syndrome. Identifiers: Orphanet 140162, MedGen C0027672, MeSH D009386, MONDO:0015356.

Allele frequency attached by ClinVar (database versions not stated): gnomAD 0.00001; gnomAD exomes 0.00002 and 0.00003; TOPMed 0.00002; ExAC 0.00003.

Submissions (8):

Ambry Genetics
Classification: Uncertain significance for Hereditary cancer-predisposing syndrome. Last evaluated: 2025-08-15. Review status: criteria provided, single submitter. Criteria: Ambry Variant Classification Scheme 2023. Collection method: clinical testing. Allele origin: germline.
Comment: The p.G345V variant (also known as c.1034G>T), located in coding exon 9 of the NBN gene, results from a G to T substitution at nucleotide position 1034. The glycine at codon 345 is replaced by valine, an amino acid with dissimilar properties. This alteration has been previously detected in a cohort of 381 unselected endometrial cancer patients who underwent multi-gene panel testing (Ring KL et al. Mod. Pathol., 2016 11;29:1381-1389). This amino acid position is not well conserved in available vertebrate species. In addition, this alteration is predicted to be tolerated by in silico analysis. Since supporting evidence is limited at this time, the clinical significance of this alteration remains unclear.

Labcorp Genetics (formerly Invitae), Labcorp
Classification: Uncertain significance for Microcephaly, normal intelligence and immunodeficiency. Last evaluated: 2025-02-04. Review status: criteria provided, single submitter. Criteria: Invitae Variant Classification Sherloc (09022015). Collection method: clinical testing. Allele origin: germline.
Comment: This sequence change replaces glycine, which is neutral and non-polar, with valine, which is neutral and non-polar, at codon 345 of the NBN protein (p.Gly345Val). This variant is present in population databases (rs587780089, gnomAD 0.006%). This missense change has been observed in individual(s) with endometrial cancer (PMID: 27443514). ClinVar contains an entry for this variant (Variation ID: 127852). An algorithm developed to predict the effect of missense changes on protein structure and function outputs the following: PolyPhen-2: "Benign". The valine amino acid residue is found in multiple mammalian species, which suggests that this missense change does not adversely affect protein function. In summary, the available evidence is currently insufficient to determine the role of this variant in disease. Therefore, it has been classified as a Variant of Uncertain Significance.

Baylor Genetics
Classification: Uncertain significance for Aplastic anemia. Last evaluated: 2024-01-25. Review status: criteria provided, single submitter. Criteria: ACMG Guidelines, 2015. Collection method: clinical testing. Allele origin: unknown.

GeneDx
Classification: Uncertain significance. Last evaluated: 2021-11-09. Review status: criteria provided, single submitter. Criteria: GeneDx Variant Classification Process June 2021. Collection method: clinical testing. Allele origin: germline. Affected: yes.
Comment: In silico analysis supports that this missense variant has a deleterious effect on protein structure/function; Observed in individuals with endometrial cancer (Ring 2016); This variant is associated with the following publications: (PMID: 27443514)

Genome-Nilou Lab
Classification: Uncertain significance for Microcephaly, normal intelligence and immunodeficiency. Last evaluated: 2021-11-07. Review status: criteria provided, single submitter. Criteria: ACMG Guidelines, 2015. Collection method: clinical testing. Allele origin: germline. Affected: no.

Sema4
Classification: Uncertain significance for Hereditary cancer-predisposing syndrome. Last evaluated: 2021-05-26. Review status: criteria provided, single submitter. Criteria: Sema4 Curation Guidelines. Collection method: curation. Allele origin: germline.
Comment: The NBN c.1034G>T (p.G345V) variant has been reported in heterozygosity in at least three individuals with breast cancer and one individual with endometrial cancer (PMID: 33471991, 27443514). This variant was observed in 8/282774 chromosomes in the large and broad populations of Genome Aggregation Database (PMID: 32461654). This variant has been reported in ClinVar (Variation ID: 127852). In silico tools suggest the impact of the variant on protein function is benign, though these predictions have not been confirmed by functional studies. The evidence is insufficient to meet ACMG/AMP criteria for classifying the variant as benign or pathogenic. Thus, the clinical significance of this variant is currently uncertain.

Fulgent Genetics
Classification: Uncertain significance for Microcephaly, normal intelligence and immunodeficiency; Aplastic anemia; Acute lymphoid leukemia. Last evaluated: 2018-10-31. Review status: criteria provided, single submitter. Criteria: ACMG Guidelines, 2015. Collection method: clinical testing. Allele origin: unknown.

Natera, Inc.
Classification: Uncertain significance for Nijmegen breakage syndrome. Last evaluated: 2021-02-08. Review status: no assertion criteria provided. Collection method: clinical testing. Allele origin: germline. Not counted in ClinVar's aggregate classification.

Literature cited by the submitters: PubMed 27443514 (cited by 3 submitters); PubMed 33471991 (cited by Sema4).